The following is an entry in ClinVar:

ClinVar aggregate classification (germline): Uncertain significance. Review status: criteria provided, multiple submitters, no conflicts (2 of 4 stars). 2 submissions from 2 submitters: Uncertain significance (2). Last evaluated 2025-06-23.

Conditions:
Inborn genetic diseases. Identifiers: MedGen C0950123, MeSH D030342.

Submissions (2):

GeneDx
Classification: Uncertain significance. Last evaluated: 2025-06-23. Review status: criteria provided, single submitter. Criteria: GeneDx Variant Classification Process June 2021. Collection method: clinical testing. Allele origin: germline. Affected: yes.
Comment: Not observed at significant frequency in large population cohorts (gnomAD); In silico analysis supports a deleterious effect on protein structure/function; Has not been previously published as pathogenic or benign to our knowledge

Ambry Genetics
Classification: Uncertain significance for Inborn genetic diseases. Last evaluated: 2024-05-24. Review status: criteria provided, single submitter. Criteria: Ambry Variant Classification Scheme 2023. Collection method: clinical testing. Allele origin: germline.
Comment: The c.8455_8456delGCinsTT (p.A2819F) alteration, located in exon 26 (coding exon 26) of the BPTF gene, consists of an in-frame substitution of 2 nucleotides from position 8455 to 8456, causing the alanine (A) at amino acid position 2819 to be replaced by a phenylalanine (F). This variant was not reported in population-based cohorts in the Genome Aggregation Database (gnomAD). This amino acid position is well conserved in available vertebrate species. This missense alteration is located in a region that has a low rate of benign missense variation (Lek, 2016; Firth, 2009). Based on insufficient or conflicting evidence, the clinical significance of this alteration remains unclear.

NM_182641.4(BPTF):c.8455_8456delinsTT (p.Ala2819Phe)

Gene: BPTF (bromodomain PHD finger transcription factor; plus strand). Cytogenetic location: 17q24.2.
Variant type: Indel.
Coding change: c.8455_8456delinsTT on transcript NM_182641.4 (MANE Select); coding-DNA positions 8455 to 8456, GC replaced by TT.
Protein change: p.Ala2819Phe; replaces alanine 2819 with phenylalanine.
Molecular consequence: missense variant.
Genome position (GRCh38, 1-based): chr17:67,966,572-67,966,573, GC replaced by TT. VCF-style: chr17-67966572-GC-TT. GRCh37 (hg19) VCF-style: chr17-65962688-GC-TT.
Other names: c.8404_8405delinsTT, p.Ala2802Phe (NM_004459.7); c.8404_8405delinsTT (NM_004459.6); short protein forms A2802F, A2819F.
Identifiers: ClinVar variation 3261417 (VCV003261417.2).